The following is an entry in ClinVar:

NM_194248.3(OTOF):c.2029G>C (p.Gly677Arg)

Gene: OTOF (otoferlin; minus strand). Cytogenetic location: 2p23.3.
Variant type: single nucleotide variant.
Coding change: c.2029G>C on transcript NM_194248.3 (MANE Select); coding-DNA position 2029, G replaced by C.
Protein change: p.Gly677Arg; replaces glycine 677 with arginine.
Molecular consequence: missense variant.
Genome position (GRCh38, 1-based): chr2:26,479,537, C>G on the plus strand (G>C on the coding strand, the complement: OTOF is on the minus strand). VCF-style: chr2-26479537-C-G. GRCh37 (hg19) VCF-style: chr2-26702405-C-G.
Other names: c.2029G>C, p.Gly677Arg (NM_001287489.2); short protein forms G677R.
Identifiers: ClinVar variation 898164 (VCV000898164.5), dbSNP rs781547633, ClinGen allele CA346128698.
Genomic context (GRCh38, chr2:26,479,537, plus strand): 5'-CGGTGACCTGGGGCCGCATTGGTGGAGTGGAGGAGACTGAGGCCAGGTCCCCGGCATCAC[C>G]GGCCTCGTCATCACTTGCGTTCTGAATCAGGTCTACTTCTTCCTCATCCCCCGGCTCCTT-3'
Protein context (NP_919224.1, residues 667-687): LIQNASDDEA[Gly677Arg]DAGDLASVSS

ClinVar aggregate classification (germline): Uncertain significance. Review status: criteria provided, multiple submitters, no conflicts (2 of 4 stars). 2 submissions from 2 submitters: Uncertain significance (2). Last evaluated 2025-12-18.

Conditions:
Autosomal recessive nonsyndromic hearing loss 9. Also called: OTOF-Related Hearing Loss; NEUROSENSORY NONSYNDROMIC RECESSIVE DEAFNESS 9; Deafness, autosomal recessive 9; AUDITORY NEUROPATHY, AUTOSOMAL RECESSIVE, 1, TEMPERATURE-SENSITIVE. Identifiers: Orphanet 90636, MedGen C1832828, MONDO:0010986, OMIM 601071.

gnomAD v4.1: 5 of 1,610,358 alleles (0.00031%); highest among the groups gnomAD compares: Non-Finnish European, 0.00034%; no homozygotes.

Submissions (2):

Labcorp Genetics (formerly Invitae), Labcorp
Classification: Uncertain significance. Last evaluated: 2025-12-18. Review status: criteria provided, single submitter. Criteria: Invitae Variant Classification Sherloc (09022015). Collection method: clinical testing. Allele origin: germline.
Comment: This sequence change replaces glycine, which is neutral and non-polar, with arginine, which is basic and polar, at codon 677 of the OTOF protein (p.Gly677Arg). This variant is not present in population databases (gnomAD no frequency). This variant has not been reported in the literature in individuals affected with OTOF-related conditions. ClinVar contains an entry for this variant (Variation ID: 898164). Invitae Evidence Modeling of protein sequence and biophysical properties (such as structural, functional, and spatial information, amino acid conservation, physicochemical variation, residue mobility, and thermodynamic stability) indicates that this missense variant is not expected to disrupt OTOF protein function with a negative predictive value of 95%. In summary, the available evidence is currently insufficient to determine the role of this variant in disease. Therefore, it has been classified as a Variant of Uncertain Significance.

Illumina Laboratory Services, Illumina
Classification: Uncertain significance for Autosomal recessive nonsyndromic hearing loss 9. Last evaluated: 2018-01-12. Review status: criteria provided, single submitter. Criteria: ICSL Variant Classification Criteria 13 December 2019. Collection method: clinical testing. Allele origin: germline.